The following is an entry in ClinVar:

ClinVar aggregate classification (germline): Pathogenic. Review status: criteria provided, multiple submitters, no conflicts (2 of 4 stars). 7 submissions from 7 submitters: Pathogenic (5). 2 of the submissions do not count toward it. Last evaluated 2025-02-04.

Conditions:
Hereditary cancer-predisposing syndrome. Also called: Hereditary Cancer Syndrome; Neoplastic Syndromes, Hereditary; Hereditary neoplastic syndrome; Tumor predisposition. Identifiers: Orphanet 140162, MedGen C0027672, MeSH D009386, MONDO:0015356.
Familial adenomatous polyposis 1 (FAP1). Also called: FAMILIAL ADENOMATOUS POLYPOSIS 1, ATTENUATED; POLYPOSIS, ADENOMATOUS INTESTINAL. Identifiers: MedGen C2713442, MONDO:0021056, OMIM 175100. Disease mechanism: loss of function.

Submissions (7):

Molecular Diagnostics Laboratory, Catalan Institute of Oncology
Classification: Pathogenic for Hereditary cancer-predisposing syndrome. Last evaluated: 2025-02-04. Review status: criteria provided, single submitter. Criteria: ClinGen ACMG Specifications APC V1.0.0. Collection method: clinical testing. Allele origin: germline.
Comment: PVS1, PS4_Moderate, PM2_Supporting c.3286C>T, located in exon 16 of the APC gene is a nonsense variant expected to result in loss of function by premature protein truncation and nonsense-mediated mRNA decay, p.(Gln1096*)(PVS1). It is not present in the population database gnomAD v2.1.1, non cancer dataset (PM2_supporting). The SpliceAI algorithm predicts no significant impact on splicing. This variant has been identified in several individuals affected with familial adenomatous polyposis (PMID: 10077047, PMID: 19331226, PMID: 20223039, PMID:20685668) (PS4_Moderate). To our knowledge, no functional studies have been reported for this variant. This variant has been reported in the ClinVar database (6x) and in the LOVD database (4x) as a pathogenic variant. Based on currently available information, the variant c.3286C>T is classified as a pathogenic variant according to ClinGen-APC Guidelines version 1.0.

Labcorp Genetics (formerly Invitae), Labcorp
Classification: Pathogenic for Familial adenomatous polyposis 1. Last evaluated: 2024-06-28. Review status: criteria provided, single submitter. Criteria: Invitae Variant Classification Sherloc (09022015). Collection method: clinical testing. Allele origin: germline.
Comment: This sequence change creates a premature translational stop signal (p.Gln1096*) in the APC gene. While this is not anticipated to result in nonsense mediated decay, it is expected to disrupt the last 1748 amino acid(s) of the APC protein. This variant is not present in population databases (gnomAD no frequency). This premature translational stop signal has been observed in individual(s) with familial adenomatous polyposis (FAP) syndrome (PMID: 10077047, 19331226, 20223039, 20685668). ClinVar contains an entry for this variant (Variation ID: 156475). This variant is expected to disrupt the EB1 and HDLG binding sites, which mediate interactions with the cytoskeleton (PMID: 15311282, 17293347). While functional studies have not been performed to directly test the effect on APC protein function, this suggests that disruption of the C-terminal portion of the protein is functionally important. A different truncation (p.Tyr2645Lysfs*14) that lies downstream of this variant has been determined to be pathogenic (PMID: 9824584, 1316610, 27081525, 8381579, 22135120, Invitae). This suggests that deletion of this region of the APC protein is causative of disease. For these reasons, this variant has been classified as Pathogenic.

Myriad Genetics, Inc.
Classification: Pathogenic for Familial adenomatous polyposis 1. Last evaluated: 2023-05-08. Review status: criteria provided, single submitter. Criteria: Myriad Autosomal Dominant, Autosomal Recessive and X-Linked Classification Criteria (2023). Collection method: clinical testing. Allele origin: unknown.
Comment: This variant is considered pathogenic. This variant creates a termination codon and is predicted to result in premature protein truncation.

Color Diagnostics, LLC DBA Color Health
Classification: Pathogenic for Hereditary cancer-predisposing syndrome. Last evaluated: 2022-05-09. Review status: criteria provided, single submitter. Criteria: ACMG Guidelines, 2015. Collection method: clinical testing. Allele origin: germline.
Comment: This variant changes 1 nucleotide in exon 16 of the APC gene, creating a premature translation stop signal in the last coding exon. This variant is predicted to escape nonsense-mediated decay and be expressed as a truncated protein. Although functional studies have not been reported, this variant is expected to disrupt the nuclear localization signal domains, beta-Catenin-, EB1-, and HDLG-binding sites (PMID: 17881494). This variant has been reported in individuals affected with familial adenomatous polyposis (PMID: 10077047, 19331226, 20223039, 20685668). This variant has not been identified in the general population by the Genome Aggregation Database (gnomAD). Loss of APC function is a known mechanism of disease. Based on the available evidence, this variant is classified as Pathogenic.

Ambry Genetics
Classification: Pathogenic for Hereditary cancer-predisposing syndrome. Last evaluated: 2022-04-08. Review status: criteria provided, single submitter. Criteria: Ambry Variant Classification Scheme 2023. Collection method: clinical testing. Allele origin: germline.
Comment: The p.Q1096* pathogenic mutation (also known as c.3286C>T), located in coding exon 15 of the APC gene, results from a C to T substitution at nucleotide position 3286. This changes the amino acid from a glutamine to a stop codon within coding exon 15. This alteration occurs at the 3' terminus of theAPC gene, is not expected to trigger nonsense-mediated mRNA decay, and impacts the last 1748 amino acids of the protein. However, premature stop codons are typically deleterious in nature and the impacted region is critical for protein function and a significant portion of the protein is affected (Ambry internal data). This alteration is reported in multiple individuals with a clinical diagnosis of FAP or AFAP from a variety of ethnic backgrounds (Gebert JF et al. Ann. Surg.,1999 Mar; 229:350-61; Friedl W et al. Hered Cancer Clin Pract, 2005 Sep;3:95-114; Borosenko V et al. Anticancer Res., 2009 Feb;29:711-5). This variant is considered to be rare based on population cohorts in the Genome Aggregation Database (gnomAD). Based on the supporting evidence, this alteration is interpreted as a disease-causing mutation.

Pathway Genomics
Classification: Pathogenic for Adenomatous polyposis coli. Last evaluated: 2014-07-24. Review status: no assertion criteria provided. Collection method: clinical testing. Allele origin: germline. Not counted in ClinVar's aggregate classification.

Mayo Clinic Laboratories, Mayo Clinic
Classification: Pathogenic. Review status: no assertion criteria provided. Collection method: research. Allele origin: unknown. Observed: 1 variant allele. Not counted in ClinVar's aggregate classification.

Literature cited by the submitters: PubMed 10077047 (cited by 4 submitters); PubMed 19331226 (cited by 4 submitters); PubMed 20223039 (cited by 4 submitters); PubMed 20685668 (cited by Labcorp Genetics (formerly Invitae), Labcorp and Color Diagnostics, LLC DBA Color Health); PubMed 15311282 (cited by Labcorp Genetics (formerly Invitae), Labcorp); PubMed 17293347 (cited by Labcorp Genetics (formerly Invitae), Labcorp); PubMed 9824584 (cited by Labcorp Genetics (formerly Invitae), Labcorp); PubMed 1316610 (cited by Labcorp Genetics (formerly Invitae), Labcorp); PubMed 27081525 (cited by Labcorp Genetics (formerly Invitae), Labcorp); PubMed 8381579 (cited by Labcorp Genetics (formerly Invitae), Labcorp); PubMed 22135120 (cited by Labcorp Genetics (formerly Invitae), Labcorp); PubMed 17881494 (cited by Color Diagnostics, LLC DBA Color Health).

NM_000038.6(APC):c.3286C>T (p.Gln1096Ter)

Gene: APC (APC regulator of Wnt signaling pathway; plus strand). Cytogenetic location: 5q22.2.
Variant type: single nucleotide variant.
Coding change: c.3286C>T on transcript NM_000038.6 (MANE Select); coding-DNA position 3286, C replaced by T.
Protein change: p.Gln1096Ter; replaces glutamine 1096 with a stop codon.
Molecular consequence: nonsense.
Genome position (GRCh38, 1-based): chr5:112,838,880, C>T. VCF-style: chr5-112838880-C-T. GRCh37 (hg19) VCF-style: chr5-112174577-C-T.
Other names: c.3286C>T, p.Gln1096Ter (NM_001127510.3, NM_001354895.2); c.3232C>T, p.Gln1078Ter (NM_001127511.3); c.3340C>T, p.Gln1114Ter (NM_001354896.2); c.3316C>T, p.Gln1106Ter (NM_001354897.2); c.3211C>T, p.Gln1071Ter (NM_001354898.2); c.3202C>T, p.Gln1068Ter (NM_001354899.2); c.3163C>T, p.Gln1055Ter (NM_001354900.2); c.3109C>T, p.Gln1037Ter (NM_001354901.2); and 5 more; short protein forms Q1078*, Q1096*, Q1037*, Q936*, Q995*, Q1005*, Q1055*, Q813*.
Identifiers: ClinVar variation 156475 (VCV000156475.26), dbSNP rs587783029, ClinGen allele CA008233.